The following is an entry in ClinVar:

ClinVar aggregate classification (germline): Uncertain significance (0 of 4 stars; one submission).

Conditions:
Prostate cancer. Also called: Malignant tumor of prostate. Identifiers: Orphanet 1331, MedGen C0376358, MONDO:0008315, HP:0012125.

Submission:

Science for Life laboratory,  Karolinska Institutet
Classification: Uncertain significance for Malignant tumor of prostate. Review status: no assertion criteria provided. Collection method: not provided. Allele origin: somatic.
Comment: TumorID:SWE-19
ClinVar note: Converted during submission from Unknown to Uncertain significance.

NM_018189.4(DPPA4):c.907T>C (p.Trp303Arg)

Gene: DPPA4 (developmental pluripotency associated 4; minus strand). Cytogenetic location: 3q13.13.
Variant type: single nucleotide variant.
Coding change: c.907T>C on transcript NM_018189.4 (MANE Select); coding-DNA position 907, T replaced by C.
Protein change: p.Trp303Arg; replaces tryptophan 303 with arginine.
Molecular consequence: missense variant. On other transcripts: 3 prime UTR variant (1).
Genome position (GRCh38, 1-based): chr3:109,327,996, A>G on the plus strand (T>C on the coding strand, the complement: DPPA4 is on the minus strand). VCF-style: chr3-109327996-A-G. GRCh37 (hg19) VCF-style: chr3-109046843-A-G.
Other names: c.751T>C, p.Trp251Arg (NM_001348928.3); c.*62T>C (NM_001348929.2); short protein forms W303R, W251R.
Identifiers: ClinVar variation 161713 (VCV000161713.2), dbSNP rs193920923, ClinGen allele CA174646.